The following is an entry in ClinVar:

ClinVar aggregate classification (germline): Uncertain significance (1 of 4 stars; one submission).

Allele frequency attached by ClinVar (database versions not stated): gnomAD exomes below 0.00001.

Submission:

Ambry Genetics
Classification: Uncertain significance. Last evaluated: 2024-01-04. Review status: criteria provided, single submitter. Criteria: Ambry Variant Classification Scheme 2023. Collection method: clinical testing. Allele origin: germline.
Comment: Does not currently meet published gene-disease clinical validity criteria Based on insufficient or conflicting evidence, the clinical significance of this alteration remains unclear.

Literature cited by the submitters: PubMed 28106320.

NM_181712.5(KANK4):c.2295_2296del (p.Gly766fs)

Gene: KANK4 (KN motif and ankyrin repeat domains 4; minus strand). Cytogenetic location: 1p31.3.
Variant type: Deletion.
Coding change: c.2295_2296del on transcript NM_181712.5 (MANE Select); coding-DNA positions 2295 to 2296, 2 bases deleted (TG; older notation c.2295_2296delTG).
Protein change: p.Gly766fs; shifts the reading frame from glycine 766.
Molecular consequence: frameshift variant.
Genome position (GRCh38, 1-based): chr1:62,266,755-62,266,756, CA deleted on the plus strand (TG on the coding strand, the reverse complement: KANK4 is on the minus strand). VCF-style (leftmost placement, unchanged base first): chr1-62266754-CCA-C. GRCh37 (hg19) VCF-style: chr1-62732426-CCA-C.
Other names: c.411_412del, p.Gly138fs (NM_001320269.2); short protein forms G138fs, G766fs.
Identifiers: ClinVar variation 3112645 (VCV003112645.1), dbSNP rs1318988806, ClinGen allele CA523523763.